The following is an entry in ClinVar:

ClinVar aggregate classification (germline): Uncertain significance (1 of 4 stars; one submission).

Conditions:
Hereditary cancer-predisposing syndrome. Also called: Neoplastic Syndromes, Hereditary; Tumor predisposition; Hereditary neoplastic syndrome; Hereditary Cancer Syndrome. Identifiers: Orphanet 140162, MedGen C0027672, MeSH D009386, MONDO:0015356.

Submission:

Ambry Genetics
Classification: Uncertain significance for Hereditary cancer-predisposing syndrome. Last evaluated: 2023-01-18. Review status: criteria provided, single submitter. Criteria: Ambry Variant Classification Scheme 2023. Collection method: clinical testing. Allele origin: germline.
Comment: The p.E474D variant (also known as c.1422A>C), located in coding exon 9 of the MEN1 gene, results from an A to C substitution at nucleotide position 1422. The glutamic acid at codon 474 is replaced by aspartic acid, an amino acid with highly similar properties. This amino acid position is conserved. In addition, this alteration is predicted to be tolerated by in silico analysis. Since supporting evidence is limited at this time, the clinical significance of this alteration remains unclear.

NM_001370259.2(MEN1):c.1422A>C (p.Glu474Asp)

Gene: MEN1 (menin 1; minus strand). Cytogenetic location: 11q13.1.
Variant type: single nucleotide variant.
Coding change: c.1422A>C on transcript NM_001370259.2 (MANE Select); coding-DNA position 1422, A replaced by C.
Protein change: p.Glu474Asp; replaces glutamic acid 474 with aspartic acid.
Molecular consequence: missense variant. On other transcripts: non-coding transcript variant (4).
Genome position (GRCh38, 1-based): chr11:64,804,745, T>G on the plus strand (A>C on the coding strand, the complement: MEN1 is on the minus strand). VCF-style: chr11-64804745-T-G. GRCh37 (hg19) VCF-style: chr11-64572217-T-G.
Other names: c.1437A>C, p.Glu479Asp (NM_000244.4, NM_001407145.1, NM_130800.3 and 4 more transcripts); c.1548A>C, p.Glu516Asp (NM_001370251.2, NM_001407142.1, NM_001407143.1 and 1 more transcripts); c.1422A>C, p.Glu474Asp (NM_001370260.2, NM_001370261.2, NM_001407146.1 and 2 more transcripts); c.1317A>C, p.Glu439Asp (NM_001370262.2, NM_001370263.2, NM_001407148.1 and 1 more transcripts); c.1563A>C, p.Glu521Asp (NM_001407150.1); c.1443A>C, p.Glu481Asp (NM_001407151.1); c.1257A>C, p.Glu419Asp (NM_001407152.1); short protein forms E419D, E439D, E474D, E479D, E481D, E516D, E521D.
Identifiers: ClinVar variation 3229060 (VCV003229060.1), dbSNP rs2136090883, ClinGen allele CA381179423.